The following is an entry in ClinVar:

NM_003823.4(TNFRSF6B):c.726G>A (p.Trp242Ter)

Genes: RTEL1-TNFRSF6B (RTEL1-TNFRSF6B readthrough (NMD candidate); plus strand), TNFRSF6B (TNF receptor superfamily member 6b; plus strand). Cytogenetic location: 20q13.33.
Variant type: single nucleotide variant.
Coding change: c.726G>A on transcript NM_003823.4 (MANE Select); coding-DNA position 726, G replaced by A.
Protein change: p.Trp242Ter; replaces tryptophan 242 with a stop codon.
Molecular consequence: nonsense. On other transcripts: non-coding transcript variant (1).
Genome position (GRCh38, 1-based): chr20:63,698,386, G>A. VCF-style: chr20-63698386-G-A. GRCh37 (hg19) VCF-style: chr20-62329739-G-A.
Other names: short protein forms W242*.
Identifiers: ClinVar variation 2903846 (VCV002903846.3), dbSNP rs770324181, ClinGen allele CA9966580.

ClinVar aggregate classification (germline): Uncertain significance (1 of 4 stars; one submission).

Allele frequency attached by ClinVar (database versions not stated): gnomAD 0.00001; TOPMed 0.00001; ExAC 0.00004; gnomAD exomes 0.00001.

Submission:

Labcorp Genetics (formerly Invitae), Labcorp
Classification: Uncertain significance. Last evaluated: 2025-06-19. Review status: criteria provided, single submitter. Criteria: Invitae Variant Classification Sherloc (09022015). Collection method: clinical testing. Allele origin: germline.
Comment: This sequence change creates a premature translational stop signal (p.Trp242*) in the TNFRSF6B gene. While this is not anticipated to result in nonsense mediated decay, it is expected to disrupt the last 59 amino acid(s) of the TNFRSF6B protein. This variant is present in population databases (rs770324181, gnomAD 0.004%). This variant has not been reported in the literature in individuals affected with TNFRSF6B-related conditions. ClinVar contains an entry for this variant (Variation ID: 2903846). In summary, the available evidence is currently insufficient to determine the role of this variant in disease. Therefore, it has been classified as a Variant of Uncertain Significance.